The following is an entry in ClinVar:

NM_004977.3(KCNC3):c.2156G>T (p.Gly719Val)

Gene: KCNC3 (potassium voltage-gated channel subfamily C member 3; minus strand). Cytogenetic location: 19q13.33.
Variant type: single nucleotide variant.
Coding change: c.2156G>T on transcript NM_004977.3 (MANE Select); coding-DNA position 2156, G replaced by T.
Protein change: p.Gly719Val; replaces glycine 719 with valine.
Molecular consequence: missense variant. On other transcripts: non-coding transcript variant (1).
Genome position (GRCh38, 1-based): chr19:50,320,607, C>A on the plus strand (G>T on the coding strand, the complement: KCNC3 is on the minus strand). VCF-style: chr19-50320607-C-A. GRCh37 (hg19) VCF-style: chr19-50823864-C-A.
Other names: c.1928G>T, p.Gly643Val (NM_001372305.1); short protein forms G643V, G719V.
Identifiers: ClinVar variation 1307976 (VCV001307976.2), dbSNP rs2123526577, ClinGen allele CA406968346.
Genomic context (GRCh38, chr19:50,320,607, plus strand): 5'-GAGAGAGAGGGAGGGTCCCAGGGGATCAGTAGGGGGGGCACCTCACCTTTTCGGATGGAG[C>A]CATCAGGGGAAGGGGCATAGTCGGTGAGGAGGAAGCAGGCTCGGTCCCGGCTATAGCGGC-3'
Protein context (NP_004968.2, residues 709-729): LLTDYAPSPD[Gly719Val]SIRKATGAPP

ClinVar aggregate classification (germline): Uncertain significance (1 of 4 stars; one submission).

Submission:

GeneDx
Classification: Uncertain significance. Last evaluated: 2019-08-27. Review status: criteria provided, single submitter. Criteria: GeneDx Variant Classification Process June 2021. Collection method: clinical testing. Allele origin: germline. Affected: yes.
Comment: Not observed in large population cohorts (Lek et al., 2016); In silico analysis, which includes protein predictors and evolutionary conservation, supports a deleterious effect; Has not been previously published as pathogenic or benign to our knowledge